The following is an entry in ClinVar:

ClinVar aggregate classification (germline): Uncertain significance (1 of 4 stars; one submission).

gnomAD v4.1: 3 of 1,614,048 alleles (0.00019%); highest among the groups gnomAD compares: African/African-American, 0.0027%; no homozygotes.

Submission:

Labcorp Genetics (formerly Invitae), Labcorp
Classification: Uncertain significance. Last evaluated: 2025-05-15. Review status: criteria provided, single submitter. Criteria: Invitae Variant Classification Sherloc (09022015). Collection method: clinical testing. Allele origin: germline.
Comment: This sequence change replaces alanine, which is neutral and non-polar, with valine, which is neutral and non-polar, at codon 446 of the SLC1A3 protein (p.Ala446Val). This variant is present in population databases (no rsID available, gnomAD 0.006%). This variant has not been reported in the literature in individuals affected with SLC1A3-related conditions. Invitae Evidence Modeling of protein sequence and biophysical properties (such as structural, functional, and spatial information, amino acid conservation, physicochemical variation, residue mobility, and thermodynamic stability) indicates that this missense variant is not expected to disrupt SLC1A3 protein function with a negative predictive value of 80%. In summary, the available evidence is currently insufficient to determine the role of this variant in disease. Therefore, it has been classified as a Variant of Uncertain Significance.

NM_004172.5(SLC1A3):c.1337C>T (p.Ala446Val)

Genes: SLC1A3-AS1 (SLC1A3 antisense RNA 1; minus strand), SLC1A3 (solute carrier family 1 member 3; plus strand). Cytogenetic location: 5p13.2.
Variant type: single nucleotide variant.
Coding change: c.1337C>T on transcript NM_004172.5 (MANE Select); coding-DNA position 1337, C replaced by T.
Protein change: p.Ala446Val; replaces alanine 446 with valine.
Molecular consequence: missense variant. On other transcripts: intron variant (2).
Genome position (GRCh38, 1-based): chr5:36,683,911, C>T. VCF-style: chr5-36683911-C-T. GRCh37 (hg19) VCF-style: chr5-36684013-C-T.
Other names: c.1199C>T, p.Ala400Val (NM_001289939.2); c.1001C>T, p.Ala334Val (NM_001289940.2); c.1337C>T, p.Ala446Val (NM_001438454.1, NM_001438455.1, NM_001438456.1 and 1 more transcripts); c.1478C>T, p.Ala493Val (NM_001438458.1); c.1055C>T, p.Ala352Val (NM_001438460.1); c.1037C>T, p.Ala346Val (NM_001438461.1); c.1016C>T, p.Ala339Val (NM_001438462.1); c.1290-2154C>T (NM_001438459.1, NM_001166695.3); short protein forms A334V, A400V, A493V, A346V, A352V, A339V, A446V.
Identifiers: ClinVar variation 4741780 (VCV004741780.1).
Genomic context (GRCh38, chr5:36,683,911, plus strand): 5'-CTTCTGTTAACAGCATCACAGCCACAGCTGCCAGTATTGGGGCAGCTGGAATTCCTCAGG[C>T]GGGCCTGGTCACTATGGTCATTGTGCTGACATCTGTCGGCCTGCCCACTGACGACATCAC-3'
Protein context (NP_004163.3, residues 436-456): ASIGAAGIPQ[Ala446Val]GLVTMVIVLT